The following is an entry in ClinVar:

NM_020975.6(RET):c.2098_2115dup (p.Ser705_Val706insMetGluAsnGlnValSer)

Gene: RET (ret proto-oncogene; plus strand). Cytogenetic location: 10q11.21.
Variant type: Duplication.
Coding change: c.2098_2115dup on transcript NM_020975.6 (MANE Select); coding-DNA positions 2098 to 2115, 18 bases duplicated (ATGGAGAACCAGGTCTCC).
Protein change: p.Ser705_Val706insMetGluAsnGlnValSer.
Molecular consequence: inframe insertion. On other transcripts: inframe indel (43).
Genome position (GRCh38, 1-based): chr10:43,114,698-43,114,715, ATGGAGAACCAGGTCTCC duplicated; duplicating any 18 consecutive bases within chr10:43,114,694-43,114,715 gives the same sequence; the c. name uses the placement nearest the transcript's 3' end. VCF-style (leftmost placement, unchanged base first): chr10-43114693-A-ACTCCATGGAGAACCAGGT. GRCh37 (hg19) VCF-style: chr10-43610141-A-ACTCCATGGAGAACCAGGT.
Other names: c.2098_2115dupATGGAGAACCAGGTCTCC (NM_020975.4); c.2098_2115dup, p.Ser705_Val706insMetGluAsnGlnValSer (NM_000323.2, NM_001406743.1, NM_001406744.1 and 4 more transcripts); c.1336_1353dup, p.Ser451_Val452insMetGluAsnGlnValSer (NM_001355216.2); c.1969_1986dup, p.Ser662_Val663insMetGluAsnGlnValSer (NM_001406761.1, NM_001406762.1, NM_001406764.1); c.1963_1980dup, p.Ser660_Val661insMetGluAsnGlnValSer (NM_001406763.1, NM_001406765.1); c.1810_1827dup, p.Ser609_Val610insMetGluAsnGlnValSer (NM_001406766.1, NM_001406767.1, NM_001406770.1); c.1834_1851dup, p.Ser617_Val618insMetGluAsnGlnValSer (NM_001406768.1); c.1702_1719dup, p.Ser573_Val574insMetGluAsnGlnValSer (NM_001406769.1, NM_001406772.1); and 11 more.
Identifiers: ClinVar variation 477339 (VCV000477339.17), dbSNP rs1345270276, ClinGen allele CA593290000.

ClinVar aggregate classification (germline): Uncertain significance. Review status: criteria provided, multiple submitters, no conflicts (2 of 4 stars). 4 submissions from 4 submitters: Uncertain significance (4). Last evaluated 2025-08-21.

Conditions:
Hereditary cancer-predisposing syndrome. Also called: Neoplastic Syndromes, Hereditary; Hereditary Cancer Syndrome; Hereditary neoplastic syndrome; Tumor predisposition. Identifiers: Orphanet 140162, MedGen C0027672, MeSH D009386, MONDO:0015356.
Multiple endocrine neoplasia, type 2 (MEN2). Identifiers: Orphanet 653, MedGen C4048306, MONDO:0019003. Disease mechanism: gain of function.

Submissions (4):

Labcorp Genetics (formerly Invitae), Labcorp
Classification: Uncertain significance for Multiple endocrine neoplasia, type 2. Last evaluated: 2025-08-21. Review status: criteria provided, single submitter. Criteria: Invitae Variant Classification Sherloc (09022015). Collection method: clinical testing. Allele origin: germline.
Comment: This variant, c.2098_2115dup, results in the insertion of 6 amino acid(s) of the RET protein (p.Met700_Ser705dup), but otherwise preserves the integrity of the reading frame. This variant is present in population databases (no rsID available, gnomAD 0.01%). This variant has not been reported in the literature in individuals affected with RET-related conditions. ClinVar contains an entry for this variant (Variation ID: 477339). Experimental studies and prediction algorithms are not available or were not evaluated, and the functional significance of this variant is currently unknown. In summary, the available evidence is currently insufficient to determine the role of this variant in disease. Therefore, it has been classified as a Variant of Uncertain Significance.

Ambry Genetics
Classification: Uncertain significance for Hereditary cancer-predisposing syndrome. Last evaluated: 2024-06-26. Review status: criteria provided, single submitter. Criteria: Ambry Variant Classification Scheme 2023. Collection method: clinical testing. Allele origin: germline.
Comment: The c.2098_2115dup18 variant (also known as p.M700_S705dup), located in coding exon 11 of the RET gene, results from an in-frame duplication of 18 nucleotides at positions 2098 to 2115. This results in the duplication of 6 extra residues (MENQVS) at codons 700 to 705. In addition, the in silico prediction for this alteration is inconclusive (Choi Y et al. PLoS ONE. 2012; 7(10):e46688). This amino acid region is well conserved in available vertebrate species. Based on the available evidence, the clinical significance of this variant remains unclear.

Color Diagnostics, LLC DBA Color Health
Classification: Uncertain significance for Multiple endocrine neoplasia, type 2. Last evaluated: 2024-05-03. Review status: criteria provided, single submitter. Criteria: ACMG Guidelines, 2015. Collection method: clinical testing. Allele origin: germline.
Comment: This variant causes an in-frame duplication of six amino acids, methionine 700 to serine 705, in the RET protein. To our knowledge, functional studies have not been reported for this variant. This variant has not been reported in individuals affected with RET-related disorders in the literature. This variant has been identified in 1/249846 chromosomes in the general population by the Genome Aggregation Database (gnomAD). The available evidence is insufficient to determine the role of this variant in disease conclusively. Therefore, this variant is classified as a Variant of Uncertain Significance.

All of Us Research Program, National Institutes of Health
Classification: Uncertain significance for Multiple endocrine neoplasia, type 2. Last evaluated: 2023-04-03. Review status: criteria provided, single submitter. Criteria: ACMG Guidelines, 2015. Collection method: clinical testing. Allele origin: germline. Inheritance: Autosomal dominant inheritance. Observed: 1 variant allele, 1 heterozygote.
Comment: This variant results in the in-frame duplication of six amino acids (methionine 700 to serine 705) in the RET protein. To our knowledge, functional studies have not been reported for this variant. This variant has not been reported in individuals affected with RET-related disorders in the literature. This variant has been identified in 1/249846 chromosomes in the general population by the Genome Aggregation Database (gnomAD). The available evidence is insufficient to determine the role of this variant in disease conclusively. Therefore, this variant is classified as a Variant of Uncertain Significance.

This study involves interpretation of variants in research participants for the purpose of population health screening. Participant phenotype was not available at the time of variant classification. Additional details can be found in publication PMID: 35346344, PMCID: PMC8962531